The following is an entry in ClinVar:

ClinVar aggregate classification (germline): Pathogenic (1 of 4 stars; one submission).

Submission:

CeGaT Center for Human Genetics Tuebingen
Classification: Pathogenic. Last evaluated: 2023-09-01. Review status: criteria provided, single submitter. Criteria: CeGaT Center For Human Genetics Tuebingen Variant Classification Criteria Version 2. Collection method: clinical testing. Allele origin: germline. Affected: yes. Observed: 1 variant allele.
Comment: NEXMIF: PVS1, PM2

NM_001008537.3(NEXMIF):c.3194_3201del (p.His1065fs)

Gene: NEXMIF (neurite extension and migration factor; minus strand). Cytogenetic location: Xq13.3.
Variant type: Deletion.
Coding change: c.3194_3201del on transcript NM_001008537.3 (MANE Select); coding-DNA positions 3194 to 3201, 8 bases deleted (ACTCTTCC; older notation c.3194_3201delACTCTTCC).
Protein change: p.His1065fs; shifts the reading frame from histidine 1065.
Molecular consequence: frameshift variant.
Genome position (GRCh38, 1-based): chrX:74,741,356-74,741,363, GGAAGAGT deleted on the plus strand (ACTCTTCC on the coding strand, the reverse complement: NEXMIF is on the minus strand); deleting any 8 consecutive bases within chrX:74,741,356-74,741,365 gives the same sequence; the c. name uses the placement nearest the transcript's 3' end. VCF-style (leftmost placement, unchanged base first): chrX-74741355-GGGAAGAGT-G. GRCh37 (hg19) VCF-style: chrX-73961190-GGGAAGAGT-G.
Other names: short protein forms H1065fs.
Identifiers: ClinVar variation 2583084 (VCV002583084.25), dbSNP rs2519912695, ClinGen allele CA2582342915.